The following is an entry in ClinVar:

ClinVar aggregate classification (germline): Uncertain significance. Review status: criteria provided, single submitter (1 of 4 stars). 2 submissions from 2 submitters: Uncertain significance (1). 1 of the submissions does not count toward it. Last evaluated 2021-03-03.

Conditions:
Usher syndrome type 1B (USH1B). Also called: Usher syndrome type IB. Identifiers: MedGen C1848638, MONDO:0700087.

Submissions (2):

GeneDx
Classification: Uncertain significance. Last evaluated: 2021-03-03. Review status: criteria provided, single submitter. Criteria: GeneDx Variant Classification Process June 2021. Collection method: clinical testing. Allele origin: germline. Affected: yes.
Comment: Not observed in large population cohorts (Lek et al., 2016); In silico analysis supports that this missense variant has a deleterious effect on protein structure/function; Has not been previously published as pathogenic or benign to our knowledge

Natera, Inc.
Classification: Uncertain significance for Usher syndrome type 1B. Last evaluated: 2025-02-09. Review status: no assertion criteria provided. Collection method: clinical testing. Allele origin: germline. Not counted in ClinVar's aggregate classification.

NM_000260.4(MYO7A):c.2087A>G (p.Tyr696Cys)

Gene: MYO7A (myosin VIIA; plus strand). Cytogenetic location: 11q13.5.
Variant type: single nucleotide variant.
Coding change: c.2087A>G on transcript NM_000260.4 (MANE Select); coding-DNA position 2087, A replaced by G.
Protein change: p.Tyr696Cys; replaces tyrosine 696 with cysteine.
Molecular consequence: missense variant.
Genome position (GRCh38, 1-based): chr11:77,174,907, A>G. VCF-style: chr11-77174907-A-G. GRCh37 (hg19) VCF-style: chr11-76885953-A-G.
Other names: c.2087A>G, p.Tyr696Cys (NM_001127180.2); c.2054A>G, p.Tyr685Cys (NM_001369365.1); short protein forms Y685C, Y696C.
Identifiers: ClinVar variation 1314131 (VCV001314131.3), dbSNP rs2135426101, ClinGen allele CA381939562.